The following is an entry in ClinVar:

NM_022042.4(SLC26A1):c.31G>A (p.Gly11Ser)

Genes: IDUA (alpha-L-iduronidase; plus strand), SLC26A1 (solute carrier family 26 member 1; minus strand). Cytogenetic location: 4p16.3.
Variant type: single nucleotide variant.
Coding change: c.31G>A on transcript NM_022042.4 (MANE Select); coding-DNA position 31, G replaced by A.
Protein change: p.Gly11Ser; replaces glycine 11 with serine.
Molecular consequence: missense variant. On other transcripts: intron variant (1).
Genome position (GRCh38, 1-based): chr4:991,673, C>T on the plus strand (G>A on the coding strand, the complement: SLC26A1 is on the minus strand). VCF-style: chr4-991673-C-T. GRCh37 (hg19) VCF-style: chr4-985461-C-T.
Other names: c.31G>A, p.Gly11Ser (NM_134425.4, NM_213613.4); c.299+3724C>T (NM_000203.5); short protein forms G11S.
Identifiers: ClinVar variation 4777383 (VCV004777383.1).
Genomic context (GRCh38, chr4:991,673, plus strand): 5'-GCATCTCACGCAGACCCCGGGGTGCTGGGCGCTGCCGTCGGACCGGCACCGGCCCTCTGC[C>T]CTGCTGCAGAGGCTCAGGGGACTCGTCCATCCTGTTGCGTCAGGTCCCGTGGCCGACCTG-3'
Protein context (NP_071325.2, residues 1-21): MDESPEPLQQ[Gly11Ser]RGPVPVRRQR

ClinVar aggregate classification (germline): Uncertain significance (1 of 4 stars; one submission).

gnomAD v4.1: 5 of 1,535,660 alleles (0.00033%); highest among the groups gnomAD compares: Non-Finnish European, 0.00044%; no homozygotes.

Submission:

Labcorp Genetics (formerly Invitae), Labcorp
Classification: Uncertain significance. Last evaluated: 2025-11-07. Review status: criteria provided, single submitter. Criteria: Invitae Variant Classification Sherloc (09022015). Collection method: clinical testing. Allele origin: germline.
Comment: This sequence change replaces glycine, which is neutral and non-polar, with serine, which is neutral and polar, at codon 11 of the SLC26A1 protein (p.Gly11Ser). This variant is not present in population databases (gnomAD no frequency). This variant has not been reported in the literature in individuals affected with SLC26A1-related conditions. An algorithm developed to predict the effect of missense changes on protein structure and function outputs the following: PolyPhen-2: "Benign". The serine amino acid residue is found in multiple mammalian species, which suggests that this missense change does not adversely affect protein function. In summary, the available evidence is currently insufficient to determine the role of this variant in disease. Therefore, it has been classified as a Variant of Uncertain Significance.